The following is an entry in ClinVar:

NM_001244008.2(KIF1A):c.3617G>T (p.Arg1206Leu)

Gene: KIF1A (kinesin family member 1A; minus strand). Cytogenetic location: 2q37.3.
Variant type: single nucleotide variant.
Coding change: c.3617G>T on transcript NM_001244008.2 (MANE Select); coding-DNA position 3617, G replaced by T.
Protein change: p.Arg1206Leu; replaces arginine 1206 with leucine.
Molecular consequence: missense variant.
Genome position (GRCh38, 1-based): chr2:240,742,952, C>A on the plus strand (G>T on the coding strand, the complement: KIF1A is on the minus strand). VCF-style: chr2-240742952-C-A. GRCh37 (hg19) VCF-style: chr2-241682369-C-A.
Other names: c.3341G>T, p.Arg1114Leu (NM_001320705.2, NM_001330289.2, NM_001379638.1); c.3416G>T, p.Arg1139Leu (NM_001330290.2, NM_001379634.1, NM_001379635.1 and 1 more transcripts); c.3692G>T, p.Arg1231Leu (NM_001379631.1); c.3566G>T, p.Arg1189Leu (NM_001379632.1); c.3590G>T, p.Arg1197Leu (NM_001379633.1, NM_001379642.1, NM_001379645.1); c.3314G>T, p.Arg1105Leu (NM_001379636.1, NM_001379639.1, NM_001379641.1 and 5 more transcripts); c.3389G>T, p.Arg1130Leu (NM_001379637.1, NM_001379648.1); c.3311G>T, p.Arg1104Leu (NM_001379640.1); short protein forms R1105L, R1206L, R1114L, R1139L, R1104L, R1130L, R1189L, R1197L.
Identifiers: ClinVar variation 464231 (VCV000464231.12), dbSNP rs369849214, ClinGen allele CA351316421.

ClinVar aggregate classification (germline): Uncertain significance. Review status: criteria provided, multiple submitters, no conflicts (2 of 4 stars). 2 submissions from 2 submitters: Uncertain significance (2). Last evaluated 2025-02-20.

Conditions:
Neuropathy, hereditary sensory, type 2C. Also called: KIF1A-Related HSAN2 (HSAN2C); Hereditary sensory and autonomic neuropathy type IIC. Identifiers: Orphanet 970, MedGen C3280168, MONDO:0013634, OMIM 614213.
Intellectual disability, autosomal dominant 9 (NESCAVS). Also called: KIF1A-Related Neurodevelopmental Disorder; NESCAV SYNDROME. Identifiers: Orphanet 662367, MedGen C5393830, MONDO:0013656, OMIM 614255.
Hereditary spastic paraplegia 30. Identifiers: Orphanet 101010, MedGen C5235139, MONDO:0012476.

Allele frequency attached by ClinVar (database versions not stated): TOPMed 0.00001.
gnomAD v4.1: 33 of 1,611,524 alleles (0.002%); highest among the groups gnomAD compares: Non-Finnish European, 0.0028%; no homozygotes.

Submissions (2):

Labcorp Genetics (formerly Invitae), Labcorp
Classification: Uncertain significance for Hereditary spastic paraplegia 30; Neuropathy, hereditary sensory, type 2C; Intellectual disability, autosomal dominant 9. Last evaluated: 2025-02-20. Review status: criteria provided, single submitter. Criteria: Invitae Variant Classification Sherloc (09022015). Collection method: clinical testing. Allele origin: germline.
Comment: This sequence change replaces arginine, which is basic and polar, with leucine, which is neutral and non-polar, at codon 1105 of the KIF1A protein (p.Arg1105Leu). This variant is not present in population databases (gnomAD no frequency). This variant has not been reported in the literature in individuals affected with KIF1A-related conditions. ClinVar contains an entry for this variant (Variation ID: 464231). Invitae Evidence Modeling of protein sequence and biophysical properties (such as structural, functional, and spatial information, amino acid conservation, physicochemical variation, residue mobility, and thermodynamic stability) indicates that this missense variant is not expected to disrupt KIF1A protein function with a negative predictive value of 95%. In summary, the available evidence is currently insufficient to determine the role of this variant in disease. Therefore, it has been classified as a Variant of Uncertain Significance.

Blueprint Genetics
Classification: Uncertain significance. Last evaluated: 2024-10-18. Review status: criteria provided, single submitter. Criteria: ACMG Guidelines, 2015. Collection method: clinical testing. Allele origin: germline.